The following is an entry in ClinVar:

ClinVar aggregate classification (germline): Uncertain significance (1 of 4 stars; one submission).

Conditions:
Cardiovascular phenotype. Identifiers: MedGen CN230736.

gnomAD v4.1: 3 of 1,550,326 alleles (0.00019%); highest among the groups gnomAD compares: Non-Finnish European, 0.00026%; no homozygotes.

Submission:

Ambry Genetics
Classification: Uncertain significance for Cardiovascular phenotype. Last evaluated: 2023-10-12. Review status: criteria provided, single submitter. Criteria: Ambry Variant Classification Scheme 2023. Collection method: clinical testing. Allele origin: germline.
Comment: The p.T1541S variant (also known as c.4622C>G), located in coding exon 2 of the ZNF469 gene, results from a C to G substitution at nucleotide position 4622. The threonine at codon 1541 is replaced by serine, an amino acid with similar properties. This amino acid position is conserved. In addition, this alteration is predicted to be tolerated by in silico analysis. Since supporting evidence is limited at this time, the clinical significance of this alteration remains unclear.

NM_001367624.2(ZNF469):c.4706C>G (p.Thr1569Ser)

Gene: ZNF469 (zinc finger protein 469; plus strand). Cytogenetic location: 16q24.2.
Variant type: single nucleotide variant.
Coding change: c.4706C>G on transcript NM_001367624.2 (MANE Select); coding-DNA position 4706, C replaced by G.
Protein change: p.Thr1569Ser; replaces threonine 1569 with serine.
Molecular consequence: missense variant.
Genome position (GRCh38, 1-based): chr16:88,432,176, C>G. VCF-style: chr16-88432176-C-G. GRCh37 (hg19) VCF-style: chr16-88498584-C-G.
Other names: NM_001127464.1:c.4622C>G; short protein forms T1569S.
Identifiers: ClinVar variation 3232814 (VCV003232814.1), dbSNP rs2507588338, ClinGen allele CA397093051.